The following is an entry in ClinVar:

NM_001365276.2(TNXB):c.8513C>T (p.Thr2838Ile)

Gene: TNXB (tenascin XB; minus strand). Cytogenetic location: 6p21.33.
Variant type: single nucleotide variant.
Coding change: c.8513C>T on transcript NM_001365276.2 (MANE Select); coding-DNA position 8513, C replaced by T.
Protein change: p.Thr2838Ile; replaces threonine 2838 with isoleucine.
Molecular consequence: missense variant.
Genome position (GRCh38, 1-based): chr6:32,053,666, G>A on the plus strand (C>T on the coding strand, the complement: TNXB is on the minus strand). VCF-style: chr6-32053666-G-A. GRCh37 (hg19) VCF-style: chr6-32021443-G-A.
Other names: c.8507C>T, p.Thr2836Ile (NM_019105.8); short protein forms T2836I, T2838I.
Identifiers: ClinVar variation 2446952 (VCV002446952.2), dbSNP rs1777447093, ClinGen allele CA363547542.

ClinVar aggregate classification (germline): Uncertain significance (1 of 4 stars; one submission).

Conditions:
Cardiovascular phenotype. Identifiers: MedGen CN230736.

Allele frequency attached by ClinVar (database versions not stated): gnomAD exomes 0.00001.
gnomAD v4.1: 20 of 1,613,308 alleles (0.0012%); highest among the groups gnomAD compares: Non-Finnish European, 0.0017%; no homozygotes.

Submission:

Ambry Genetics
Classification: Uncertain significance for Cardiovascular phenotype. Last evaluated: 2022-12-11. Review status: criteria provided, single submitter. Criteria: Ambry Variant Classification Scheme 2023. Collection method: clinical testing. Allele origin: germline.
Comment: The p.T2836I variant (also known as c.8507C>T), located in coding exon 24 of the TNXB gene, results from a C to T substitution at nucleotide position 8507. The threonine at codon 2836 is replaced by isoleucine, an amino acid with similar properties. This amino acid position is conserved. In addition, this alteration is predicted to be tolerated by in silico analysis. Since supporting evidence is limited at this time, the clinical significance of this alteration remains unclear.